The following is an entry in ClinVar:

ClinVar aggregate classification (germline): Uncertain significance. Review status: criteria provided, multiple submitters, no conflicts (2 of 4 stars). 2 submissions from 2 submitters: Uncertain significance (2). Last evaluated 2025-01-23.

Conditions:
Hereditary cancer-predisposing syndrome. Also called: Hereditary Cancer Syndrome; Hereditary neoplastic syndrome; Neoplastic Syndromes, Hereditary; Tumor predisposition. Identifiers: Orphanet 140162, MedGen C0027672, MeSH D009386, MONDO:0015356.

Submissions (2):

Labcorp Genetics (formerly Invitae), Labcorp
Classification: Uncertain significance for Hereditary cancer-predisposing syndrome. Last evaluated: 2025-01-23. Review status: criteria provided, single submitter. Criteria: Invitae Variant Classification Sherloc (09022015). Collection method: clinical testing. Allele origin: germline.
Comment: This sequence change replaces serine, which is neutral and polar, with glycine, which is neutral and non-polar, at codon 495 of the RAD50 protein (p.Ser495Gly). This variant is not present in population databases (gnomAD no frequency). This variant has not been reported in the literature in individuals affected with RAD50-related conditions. ClinVar contains an entry for this variant (Variation ID: 1773617). Invitae Evidence Modeling of protein sequence and biophysical properties (such as structural, functional, and spatial information, amino acid conservation, physicochemical variation, residue mobility, and thermodynamic stability) indicates that this missense variant is not expected to disrupt RAD50 protein function with a negative predictive value of 80%. In summary, the available evidence is currently insufficient to determine the role of this variant in disease. Therefore, it has been classified as a Variant of Uncertain Significance.

Ambry Genetics
Classification: Uncertain significance for Hereditary cancer-predisposing syndrome. Last evaluated: 2024-10-24. Review status: criteria provided, single submitter. Criteria: Ambry Variant Classification Scheme 2023. Collection method: clinical testing. Allele origin: germline.
Comment: The p.S495G variant (also known as c.1483A>G), located in coding exon 10 of the RAD50 gene, results from an A to G substitution at nucleotide position 1483. The serine at codon 495 is replaced by glycine, an amino acid with similar properties. This amino acid position is conserved. In addition, this alteration is predicted to be tolerated by in silico analysis. Since supporting evidence is limited at this time, the clinical significance of this alteration remains unclear.

NM_005732.4(RAD50):c.1483A>G (p.Ser495Gly)

Gene: RAD50 (RAD50 double strand break repair protein; plus strand). Cytogenetic location: 5q31.1.
Variant type: single nucleotide variant.
Coding change: c.1483A>G on transcript NM_005732.4 (MANE Select); coding-DNA position 1483, A replaced by G.
Protein change: p.Ser495Gly; replaces serine 495 with glycine.
Molecular consequence: missense variant.
Genome position (GRCh38, 1-based): chr5:132,591,254, A>G. VCF-style: chr5-132591254-A-G. GRCh37 (hg19) VCF-style: chr5-131926946-A-G.
Other names: short protein forms S495G.
Identifiers: ClinVar variation 1773617 (VCV001773617.6), dbSNP rs2149842152, ClinGen allele CA360945533.
Genomic context (GRCh38, chr5:132,591,254, plus strand): 5'-ACCTTTGCATTTGTATGAATTATTGACTAGGAACGTGAGTTAAGCAAGGCTGAGAAAAAC[A>G]GCAATGTAGAAACCTTAAAAATGGAAGTAATAAGTCTCCAAAATGAAAAAGCAGACTTAG-3'
Protein context (NP_005723.2, residues 485-505): ERELSKAEKN[Ser495Gly]NVETLKMEVI